The following is an entry in ClinVar:

ClinVar aggregate classification (germline): Benign. Review status: criteria provided, single submitter (1 of 4 stars). 2 submissions from 2 submitters: Benign (1). 1 of the submissions does not count toward it. Last evaluated 2023-11-03.

Conditions:
ATP7A-related disorder. Also called: ATP7A-related condition.
Menkes kinky-hair syndrome (MNK). Also called: Copper transport disease; Menkes Disease; Classic Menkes Disease. Identifiers: Orphanet 565, MedGen C0022716, MONDO:0010651, OMIM 309400.
Cutis laxa, X-linked (OHS). Also called: EDS IX; Occipital horn syndrome. Identifiers: Orphanet 198, MedGen C0268353, MONDO:0010572, OMIM 304150.
X-linked distal spinal muscular atrophy type 3. Also called: ATP7A-Related Distal Motor Neuropathy; SPINAL MUSCULAR ATROPHY, DISTAL, X-LINKED RECESSIVE; NEURONOPATHY, DISTAL HEREDITARY MOTOR, X-LINKED; NEUROPATHY, DISTAL HEREDITARY MOTOR, X-LINKED. Identifiers: Orphanet 139557, MedGen C1845359, MONDO:0010338, OMIM 300489.

Allele frequency attached by ClinVar (database versions not stated): gnomAD exomes below 0.00001; TOPMed 0.00001.
gnomAD v4.1: 2 of 1,211,070 alleles (0.00017%); highest among the groups gnomAD compares: African/African-American, 0.0035%; no homozygotes.

Submissions (2):

Labcorp Genetics (formerly Invitae), Labcorp
Classification: Benign for X-linked distal spinal muscular atrophy type 3; Cutis laxa, X-linked; Menkes kinky-hair syndrome. Last evaluated: 2023-11-03. Review status: criteria provided, single submitter. Criteria: Invitae Variant Classification Sherloc (09022015). Collection method: clinical testing. Allele origin: germline.

PreventionGenetics, part of Exact Sciences
Classification: Uncertain significance for ATP7A-related condition. Last evaluated: 2024-02-07. Review status: no assertion criteria provided. Collection method: clinical testing. Allele origin: germline. Not counted in ClinVar's aggregate classification.
Comment: The ATP7A c.2305A>G variant is predicted to result in the amino acid substitution p.Met769Val. To our knowledge, this variant has not been reported in the literature. This variant is reported in 0.0012% of alleles in individuals of European (Non-Finnish) descent in gnomAD. At this time, the clinical significance of this variant is uncertain due to the absence of conclusive functional and genetic evidence.

NM_000052.7(ATP7A):c.2305A>G (p.Met769Val)

Gene: ATP7A (ATPase copper transporting alpha; plus strand). Cytogenetic location: Xq21.1.
Variant type: single nucleotide variant.
Coding change: c.2305A>G on transcript NM_000052.7 (MANE Select); coding-DNA position 2305, A replaced by G.
Protein change: p.Met769Val; replaces methionine 769 with valine.
Molecular consequence: missense variant. On other transcripts: intron variant (1).
Genome position (GRCh38, 1-based): chrX:78,013,011, A>G. VCF-style: chrX-78013011-A-G. GRCh37 (hg19) VCF-style: chrX-77268508-A-G.
Other names: c.2172+1337A>G (NM_001282224.2); c.2305A>G (NM_000052.6); short protein forms M769V.
Identifiers: ClinVar variation 2924594 (VCV002924594.5), dbSNP rs1004861034, ClinGen allele CA331097574.